The following is an entry in ClinVar:

ClinVar aggregate classification (germline): Benign. Review status: criteria provided, multiple submitters, no conflicts (2 of 4 stars). 2 submissions from 2 submitters: Benign (2). Last evaluated 2017-04-27.

Conditions:
Congenital generalized lipodystrophy type 4. Also called: BERARDINELLI-SEIP CONGENITAL LIPODYSTROPHY, TYPE 4, WITH MUSCULAR DYSTROPHY. Identifiers: Orphanet 228429, MedGen C2750069, MONDO:0013225, OMIM 613327.

Allele frequency attached by ClinVar (database versions not stated): TOPMed 0.83698; 1000 Genomes Project 30x 0.85087; 1000 Genomes Project 0.85982; gnomAD exomes 0.93929.
gnomAD v4.1: 128,826 of 152,446 alleles (85%); highest among the groups gnomAD compares: East Asian, 99%; 55,443 homozygotes.

Submissions (2):

Illumina Laboratory Services, Illumina
Classification: Benign for Congenital generalized lipodystrophy type 4. Last evaluated: 2017-04-27. Review status: criteria provided, single submitter. Criteria: ICSL Variant Classification Criteria 13 December 2019. Collection method: clinical testing. Allele origin: germline.
Comment: This variant was observed as part of a predisposition screen in an ostensibly healthy population. A literature search was performed for the gene, cDNA change, and amino acid change (where applicable). No publications were found based on this search. Allele frequency data from public databases was too high to be consistent with this variant causing disease. Therefore, this variant is classified as benign.

Breakthrough Genomics
Classification: Benign. Review status: criteria provided, single submitter. Criteria: ACMG Guidelines, 2015. Collection method: not provided. Allele origin: germline. Inheritance: Autosomal recessive inheritance. Affected: yes.

NM_012232.6(CAVIN1):c.*1704C>G

Gene: CAVIN1 (caveolae associated protein 1; minus strand). Cytogenetic location: 17q21.2.
Variant type: single nucleotide variant.
Coding change: c.*1704C>G on transcript NM_012232.6 (MANE Select); 1704 bases downstream of the stop codon, C replaced by G.
Molecular consequence: 3 prime UTR variant.
Genome position (GRCh38, 1-based): chr17:42,402,983, G>C on the plus strand (C>G on the coding strand, the complement: CAVIN1 is on the minus strand). VCF-style: chr17-42402983-G-C. GRCh37 (hg19) VCF-style: chr17-40555001-G-C.
Identifiers: ClinVar variation 323259 (VCV000323259.6), dbSNP rs7210713, ClinGen allele CA10649265.